The following is an entry in ClinVar:

NM_020928.2(ZSWIM6):c.3530A>G (p.Glu1177Gly)

Gene: ZSWIM6 (zinc finger SWIM-type containing 6; plus strand). Cytogenetic location: 5q12.1.
Variant type: single nucleotide variant.
Coding change: c.3530A>G on transcript NM_020928.2 (MANE Select); coding-DNA position 3530, A replaced by G.
Protein change: p.Glu1177Gly; replaces glutamic acid 1177 with glycine.
Molecular consequence: missense variant.
Genome position (GRCh38, 1-based): chr5:61,544,199, A>G. VCF-style: chr5-61544199-A-G. GRCh37 (hg19) VCF-style: chr5-60840026-A-G.
Other names: short protein forms E1177G.
Identifiers: ClinVar variation 4798006 (VCV004798006.1).
Genomic context (GRCh38, chr5:61,544,199, plus strand): 5'-TCACACACATCAGTCCTCGGCACTATAGTGAGTTTATAGAGTTCCTCAGCAAAGCCCGAG[A>G]GACCTTCTTAATGGCGCATGATGGACACATTCAGTTTACACAGTTTATTGACAACCTGAA-3'
Protein context (NP_065979.1, residues 1167-1187): EFIEFLSKAR[Glu1177Gly]TFLMAHDGHI

ClinVar aggregate classification (germline): Uncertain significance (1 of 4 stars; one submission).

gnomAD v4.1: 3 of 1,551,698 alleles (0.00019%); highest among the groups gnomAD compares: Non-Finnish European, 0.00026%; no homozygotes.

Submission:

Labcorp Genetics (formerly Invitae), Labcorp
Classification: Uncertain significance. Last evaluated: 2025-03-16. Review status: criteria provided, single submitter. Criteria: Invitae Variant Classification Sherloc (09022015). Collection method: clinical testing. Allele origin: germline.
Comment: This sequence change replaces glutamic acid, which is acidic and polar, with glycine, which is neutral and non-polar, at codon 1177 of the ZSWIM6 protein (p.Glu1177Gly). This variant is not present in population databases (gnomAD no frequency). This variant has not been reported in the literature in individuals affected with ZSWIM6-related conditions. Invitae Evidence Modeling of protein sequence and biophysical properties (such as structural, functional, and spatial information, amino acid conservation, physicochemical variation, residue mobility, and thermodynamic stability) indicates that this missense variant is not expected to disrupt ZSWIM6 protein function with a negative predictive value of 80%. In summary, the available evidence is currently insufficient to determine the role of this variant in disease. Therefore, it has been classified as a Variant of Uncertain Significance.